The following is an entry in ClinVar:

NM_020631.6(PLEKHG5):c.365_378del (p.Leu122fs)

Gene: PLEKHG5 (pleckstrin homology and RhoGEF domain containing G5; minus strand). Cytogenetic location: 1p36.31.
Variant type: Deletion.
Coding change: c.365_378del on transcript NM_020631.6 (MANE Select); coding-DNA positions 365 to 378, 14 bases deleted (TGGACCAGTCCAAC).
Protein change: p.Leu122fs; shifts the reading frame from leucine 122.
Molecular consequence: frameshift variant.
Genome position (GRCh38, 1-based): chr1:6,474,512-6,474,525, GTTGGACTGGTCCA deleted on the plus strand (TGGACCAGTCCAAC on the coding strand, the reverse complement: PLEKHG5 is on the minus strand); deleting any 14 consecutive bases within chr1:6,474,512-6,474,526 gives the same sequence; the c. name uses the placement nearest the transcript's 3' end. VCF-style (leftmost placement, unchanged base first): chr1-6474511-TGTTGGACTGGTCCA-T. GRCh37 (hg19) VCF-style: chr1-6534571-TGTTGGACTGGTCCA-T.
Other names: c.476_489del, p.Leu159fs (NM_001042663.3, NM_001265592.2); c.364_377delCTGGACCAGTCCAA, p.Leu122Hisfs (NM_001042664.2, NM_001042665.2, NM_001265594.3); c.571_584delCTGGACCAGTCCAA, p.Leu191Hisfs (NM_001265593.2); c.365_378del, p.Leu122fs (NM_198681.4); short protein forms L159fs, L122fs, L191fs.
Identifiers: ClinVar variation 2035800 (VCV002035800.4), dbSNP rs2523210552, ClinGen allele CA2580062705.

ClinVar aggregate classification (germline): Pathogenic (1 of 4 stars; one submission).

Conditions:
Charcot-Marie-Tooth disease recessive intermediate C. Also called: CHARCOT-MARIE-TOOTH NEUROPATHY, RECESSIVE INTERMEDIATE C. Identifiers: Orphanet 369867, MedGen C3809309, MONDO:0014154, OMIM 615376.
Neuronopathy, distal hereditary motor, autosomal recessive 4. Also called: Autosomal recessive lower motor neuron disease with childhood onset; NEUROPATHY, DISTAL HEREDITARY MOTOR, AUTOSOMAL RECESSIVE 4. Identifiers: Orphanet 206580, MedGen C1970211, MONDO:0012608, OMIM 611067.

Submission:

Labcorp Genetics (formerly Invitae), Labcorp
Classification: Pathogenic for Neuronopathy, distal hereditary motor, autosomal recessive 4; Charcot-Marie-Tooth disease recessive intermediate C. Last evaluated: 2022-10-16. Review status: criteria provided, single submitter. Criteria: Invitae Variant Classification Sherloc (09022015). Collection method: clinical testing. Allele origin: germline.
Comment: This sequence change creates a premature translational stop signal (p.Leu122Hisfs*28) in the PLEKHG5 gene. It is expected to result in an absent or disrupted protein product. Loss-of-function variants in PLEKHG5 are known to be pathogenic (PMID: 17564964, 23777631). This variant is not present in population databases (gnomAD no frequency). This variant has not been reported in the literature in individuals affected with PLEKHG5-related conditions. Algorithms developed to predict the effect of sequence changes on RNA splicing suggest that this variant may create or strengthen a splice site. For these reasons, this variant has been classified as Pathogenic.

Literature cited by the submitters: PubMed 17564964; PubMed 23777631.